The following is an entry in ClinVar:

ClinVar aggregate classification (germline): Likely benign. Review status: reviewed by expert panel (3 of 4 stars). 13 submissions from 13 submitters: Likely benign (1). 12 of the submissions do not count toward it. Last evaluated 2017-06-29.

Conditions:
Familial prostate cancer. Also called: Hereditary Prostate Cancer. Identifiers: MedGen C2931456, MONDO:0700275, OMIM 176807.
Hereditary cancer-predisposing syndrome. Also called: Hereditary Cancer Syndrome; Neoplastic Syndromes, Hereditary; Tumor predisposition; Hereditary neoplastic syndrome. Identifiers: Orphanet 140162, MedGen C0027672, MeSH D009386, MONDO:0015356.
Hereditary breast ovarian cancer syndrome. Also called: Hereditary breast and ovarian cancer; Hereditary breast and ovarian cancer syndrome (HBOC); Hereditary breast and/or ovarian cancer syndrome; Hereditary breast and ovarian cancer syndrome; Breast and ovarian cancer; BRCA1- and BRCA2-Associated Hereditary Breast and Ovarian Cancer. Identifiers: Orphanet 145, MedGen C0677776, MeSH D061325, MONDO:0003582. Disease mechanism: loss of function.
Breast-ovarian cancer, familial, susceptibility to, 2 (BROVCA2). Also called: BRCA2 Hereditary Breast and Ovarian Cancer. Identifiers: Orphanet 145, MedGen C2675520, MONDO:0012933, OMIM 612555. Disease mechanism: loss of function.

Allele frequency attached by ClinVar (database versions not stated): gnomAD 0.00001; gnomAD exomes 0.00001 and 0.00002; ExAC 0.00002; TOPMed 0.00003.
gnomAD v4.1: 24 of 1,613,844 alleles (0.0015%); highest among the groups gnomAD compares: Non-Finnish European, 0.0019%; no homozygotes.

Submissions (13):

Evidence-based Network for the Interpretation of Germline Mutant Alleles (ENIGMA)
Classification: Likely benign for Breast-ovarian cancer, familial, susceptibility to, 2. Last evaluated: 2017-06-29. Review status: reviewed by expert panel. Criteria: ENIGMA BRCA1/2 Classification Criteria (2017-06-29). Collection method: curation. Allele origin: germline.
Comment: Synonymous substitution variant, with low bioinformatic likelihood to result in a splicing aberration (Splicing prior probability 0.02).

Labcorp Genetics (formerly Invitae), Labcorp
Classification: Likely benign for Hereditary breast ovarian cancer syndrome. Last evaluated: 2025-11-17. Review status: criteria provided, single submitter. Criteria: Invitae Variant Classification Sherloc (09022015). Collection method: clinical testing. Allele origin: germline. Not counted in ClinVar's aggregate classification.

Center for Genomic Medicine, Rigshospitalet, Copenhagen University Hospital
Classification: Likely benign. Last evaluated: 2025-03-04. Review status: criteria provided, single submitter. Criteria: ACMG Guidelines, 2015. Collection method: clinical testing. Allele origin: germline. Not counted in ClinVar's aggregate classification.

Department of Pathology and Laboratory Medicine, Sinai Health System
Classification: Likely benign for Familial prostate cancer. Last evaluated: 2024-05-02. Review status: criteria provided, single submitter. Criteria: ACMG Guidelines, 2015. Collection method: clinical testing. Allele origin: germline. Affected: yes. Not counted in ClinVar's aggregate classification.

All of Us Research Program, National Institutes of Health
Classification: Likely benign for Breast-ovarian cancer, familial, susceptibility to, 2. Last evaluated: 2023-11-02. Review status: criteria provided, single submitter. Criteria: ACMG Guidelines, 2015. Collection method: clinical testing. Allele origin: germline. Inheritance: Autosomal dominant inheritance. Observed: 6 variant alleles, 6 heterozygotes. Not counted in ClinVar's aggregate classification.
Comment: This study involves interpretation of variants in research participants for the purpose of population health screening. Participant phenotype was not available at the time of variant classification. Additional details can be found in publication PMID: 35346344, PMCID: PMC8962531

Quest Diagnostics Nichols Institute San Juan Capistrano
Classification: Likely benign. Last evaluated: 2022-12-08. Review status: criteria provided, single submitter. Criteria: Quest Diagnostics criteria. Collection method: clinical testing. Allele origin: unknown. Not counted in ClinVar's aggregate classification.

Blueprint Genetics
Classification: Likely benign. Last evaluated: 2022-07-18. Review status: criteria provided, single submitter. Criteria: ACMG Guidelines, 2015. Collection method: clinical testing. Allele origin: germline. Not counted in ClinVar's aggregate classification.

Women's Health and Genetics/Laboratory Corporation of America, LabCorp
Classification: Likely benign. Last evaluated: 2020-11-19. Review status: criteria provided, single submitter. Criteria: LabCorp Variant Classification Summary - May 2015. Collection method: clinical testing. Allele origin: germline. Not counted in ClinVar's aggregate classification.

GeneDx
Classification: Likely benign. Last evaluated: 2018-01-03. Review status: criteria provided, single submitter. Criteria: GeneDx Variant Classification (06012015). Collection method: clinical testing. Allele origin: germline. Affected: yes. Not counted in ClinVar's aggregate classification.
Comment: This variant is considered likely benign or benign based on one or more of the following criteria: it is a conservative change, it occurs at a poorly conserved position in the protein, it is predicted to be benign by multiple in silico algorithms, and/or has population frequency not consistent with disease.

Color Diagnostics, LLC DBA Color Health
Classification: Likely benign for Hereditary cancer-predisposing syndrome. Last evaluated: 2016-04-29. Review status: criteria provided, single submitter. Criteria: ACMG Guidelines, 2015. Collection method: clinical testing. Allele origin: germline. Not counted in ClinVar's aggregate classification.

Molecular Genetics Laboratory, University of Michigan
Classification: Likely benign for Breast-ovarian cancer, familial, susceptibility to, 2. Last evaluated: 2016-04-21. Review status: criteria provided, single submitter. Criteria: ACMG Guidelines, 2015. Collection method: clinical testing. Allele origin: germline. Affected: yes. Not counted in ClinVar's aggregate classification.

Ambry Genetics
Classification: Likely benign for Hereditary cancer-predisposing syndrome. Last evaluated: 2014-11-20. Review status: criteria provided, single submitter. Criteria: Ambry Variant Classification Scheme 2023. Collection method: clinical testing. Allele origin: germline. Not counted in ClinVar's aggregate classification.

Mayo Clinic Laboratories, Mayo Clinic
Classification: Likely benign. Last evaluated: 2017-07-27. Review status: no assertion criteria provided. Collection method: clinical testing. Allele origin: unknown. Not counted in ClinVar's aggregate classification.

Literature cited by the submitters: PubMed 22711857 (cited by 3 submitters); PubMed 12474142 (cited by 3 submitters).

NM_000059.4(BRCA2):c.4725C>T (p.Asp1575=)

Gene: BRCA2 (BRCA2 DNA repair associated; plus strand). Cytogenetic location: 13q13.1.
Variant type: single nucleotide variant.
Coding change: c.4725C>T on transcript NM_000059.4 (MANE Select); coding-DNA position 4725, C replaced by T.
Protein change: p.Asp1575=; no amino-acid change (aspartic acid 1575 retained).
Molecular consequence: synonymous variant.
Genome position (GRCh38, 1-based): chr13:32,339,080, C>T. VCF-style: chr13-32339080-C-T. GRCh37 (hg19) VCF-style: chr13-32913217-C-T.
Identifiers: ClinVar variation 184480 (VCV000184480.36), dbSNP rs752402938, ClinGen allele CA020714.